The following is an entry in ClinVar:

NM_001199397.3(NEK1):c.488G>C (p.Cys163Ser)

Gene: NEK1 (NIMA related kinase 1; minus strand). Cytogenetic location: 4q33.
Variant type: single nucleotide variant.
Coding change: c.488G>C on transcript NM_001199397.3 (MANE Select); coding-DNA position 488, G replaced by C.
Protein change: p.Cys163Ser; replaces cysteine 163 with serine.
Molecular consequence: missense variant. On other transcripts: non-coding transcript variant (2).
Genome position (GRCh38, 1-based): chr4:169,588,712, C>G on the plus strand (G>C on the coding strand, the complement: NEK1 is on the minus strand). VCF-style: chr4-169588712-C-G. GRCh37 (hg19) VCF-style: chr4-170509863-C-G.
Other names: c.488G>C (NM_012224.2); c.488G>C, p.Cys163Ser (NM_001199398.3, NM_001199399.3, NM_001199400.3 and 7 more transcripts); short protein forms C163S.
Identifiers: ClinVar variation 2149370 (VCV002149370.5), dbSNP rs2546925398, ClinGen allele CA358740802.

ClinVar aggregate classification (germline): Uncertain significance. Review status: criteria provided, multiple submitters, no conflicts (2 of 4 stars). 2 submissions from 2 submitters: Uncertain significance (2). Last evaluated 2022-10-05.

Conditions:
Inborn genetic diseases. Identifiers: MedGen C0950123, MeSH D030342.
Short-rib thoracic dysplasia 6 with or without polydactyly (SRTD6). Also called: Majewski Syndrome; SHORT RIB-POLYDACTYLY SYNDROME, TYPE IIA; POLYDACTYLY WITH NEONATAL CHONDRODYSTROPHY, TYPE II; SHORT-RIB THORACIC DYSPLASIA 6 WITH POLYDACTYLY; SHORT-RIB THORACIC DYSPLASIA 6 WITHOUT POLYDACTYLY. Identifiers: MedGen C0024507, MONDO:0009894, OMIM 263520.

Submissions (2):

Labcorp Genetics (formerly Invitae), Labcorp
Classification: Uncertain significance for Short-rib thoracic dysplasia 6 with or without polydactyly. Last evaluated: 2022-10-05. Review status: criteria provided, single submitter. Criteria: Invitae Variant Classification Sherloc (09022015). Collection method: clinical testing. Allele origin: germline.
Comment: Advanced modeling of protein sequence and biophysical properties (such as structural, functional, and spatial information, amino acid conservation, physicochemical variation, residue mobility, and thermodynamic stability) performed at Invitae indicates that this missense variant is not expected to disrupt NEK1 protein function. In summary, the available evidence is currently insufficient to determine the role of this variant in disease. Therefore, it has been classified as a Variant of Uncertain Significance. This variant is not present in population databases (gnomAD no frequency). This sequence change replaces cysteine, which is neutral and slightly polar, with serine, which is neutral and polar, at codon 163 of the NEK1 protein (p.Cys163Ser). This variant has not been reported in the literature in individuals affected with NEK1-related conditions.

Ambry Genetics
Classification: Uncertain significance for Inborn genetic diseases. Last evaluated: 2022-01-10. Review status: criteria provided, single submitter. Criteria: Ambry Variant Classification Scheme 2023. Collection method: clinical testing. Allele origin: germline.